The following is an entry in ClinVar:

ClinVar aggregate classification (germline): Uncertain significance (1 of 4 stars; one submission).

Conditions:
Creatine transporter deficiency (CCDS1). Also called: CEREBRAL CREATINE DEFICIENCY SYNDROME 1; Mental retardation , X-linked with seizures, short stature and midface hypoplasia; Mental retardation , X-linked, with creatine transport deficiency; X-linked creatine transporter deficiency; X-linked creatine deficiency syndrome; SLC6A8-Related Creatine Transporter Deficiency. Identifiers: Orphanet 52503, MedGen C1845862, MONDO:0010305, OMIM 300352.

Submission:

Labcorp Genetics (formerly Invitae), Labcorp
Classification: Uncertain significance for Creatine transporter deficiency. Last evaluated: 2022-06-13. Review status: criteria provided, single submitter. Criteria: Invitae Variant Classification Sherloc (09022015). Collection method: clinical testing. Allele origin: germline.
Comment: This variant has not been reported in the literature in individuals affected with SLC6A8-related conditions. In summary, the available evidence is currently insufficient to determine the role of this variant in disease. Therefore, it has been classified as a Variant of Uncertain Significance. Advanced modeling of protein sequence and biophysical properties (such as structural, functional, and spatial information, amino acid conservation, physicochemical variation, residue mobility, and thermodynamic stability) performed at Invitae indicates that this missense variant is not expected to disrupt SLC6A8 protein function. ClinVar contains an entry for this variant (Variation ID: 1008693). This variant is not present in population databases (gnomAD no frequency). This sequence change replaces glutamic acid, which is acidic and polar, with aspartic acid, which is acidic and polar, at codon 17 of the SLC6A8 protein (p.Glu17Asp).

NM_005629.4(SLC6A8):c.51G>C (p.Glu17Asp)

Gene: SLC6A8 (solute carrier family 6 member 8; plus strand). Cytogenetic location: Xq28.
Variant type: single nucleotide variant.
Coding change: c.51G>C on transcript NM_005629.4 (MANE Select); coding-DNA position 51, G replaced by C.
Protein change: p.Glu17Asp; replaces glutamic acid 17 with aspartic acid.
Molecular consequence: missense variant.
Genome position (GRCh38, 1-based): chrX:153,688,625, G>C. VCF-style: chrX-153688625-G-C. GRCh37 (hg19) VCF-style: chrX-152954080-G-C.
Other names: c.51G>C, p.Glu17Asp (NM_001142805.2); short protein forms E17D.
Identifiers: ClinVar variation 1008693 (VCV001008693.10), dbSNP rs2091436339, ClinGen allele CA415076030.